The following is an entry in ClinVar:

ClinVar aggregate classification (germline): Pathogenic (1 of 4 stars; one submission).

gnomAD v4.1: 5 of 1,603,190 alleles (0.00031%); highest among the groups gnomAD compares: South Asian, 0.0022%; no homozygotes.

Submission:

Labcorp Genetics (formerly Invitae), Labcorp
Classification: Pathogenic. Last evaluated: 2019-04-12. Review status: criteria provided, single submitter. Criteria: Invitae Variant Classification Sherloc (09022015). Collection method: clinical testing. Allele origin: germline.
Comment: For these reasons, this variant has been classified as Pathogenic. Loss-of-function variants in RETREG1 are known to be pathogenic (PMID: 19838196). This variant has not been reported in the literature in individuals with RETREG1-related conditions. This variant is not present in population databases (ExAC no frequency). This sequence change creates a premature translational stop signal (p.Trp107*) in the RETREG1 gene. It is expected to result in an absent or disrupted protein product.

Literature cited by the submitters: PubMed 19838196.

NM_001034850.3(RETREG1):c.321G>A (p.Trp107Ter)

Gene: RETREG1 (reticulophagy regulator 1; minus strand). Cytogenetic location: 5p15.1.
Variant type: single nucleotide variant.
Coding change: c.321G>A on transcript NM_001034850.3 (MANE Select); coding-DNA position 321, G replaced by A.
Protein change: p.Trp107Ter; replaces tryptophan 107 with a stop codon.
Molecular consequence: nonsense.
Genome position (GRCh38, 1-based): chr5:16,572,102, C>T on the plus strand (G>A on the coding strand, the complement: RETREG1 is on the minus strand). VCF-style: chr5-16572102-C-T. GRCh37 (hg19) VCF-style: chr5-16572211-C-T.
Other names: short protein forms W107*.
Identifiers: ClinVar variation 843330 (VCV000843330.7), dbSNP rs200065908, ClinGen allele CA114971768.
Genomic context (GRCh38, chr5:16,572,102, plus strand): 5'-ACGCCCAAGTATCATGACGGAAATCAGGTGATATACTCTCCATGGAGTCAATGCAAGGAA[C>T]CTGCAACAGCGAAACACAAATCAGTATTTCAATTTGAGGATTTTTAACCTTTTCAAAATT-3'